The following is an entry in ClinVar:

ClinVar aggregate classification (germline): Uncertain significance (1 of 4 stars; one submission).

gnomAD v4.1: 2 of 1,614,164 alleles (0.00012%); highest among the groups gnomAD compares: Non-Finnish European, 0.00017%; no homozygotes.

Submission:

GeneDx
Classification: Uncertain significance. Last evaluated: 2026-02-23. Review status: criteria provided, single submitter. Criteria: GeneDx Variant Classification Process June 2021. Collection method: clinical testing. Allele origin: germline.
Comment: Not observed at significant frequency in large population cohorts (gnomAD); In silico analysis supports that this missense variant has a deleterious effect on protein structure/function; Has not been previously published as pathogenic or benign to our knowledge

NM_000384.3(APOB):c.3870C>A (p.Asn1290Lys)

Gene: APOB (apolipoprotein B; minus strand). Cytogenetic location: 2p24.1.
Variant type: single nucleotide variant.
Coding change: c.3870C>A on transcript NM_000384.3 (MANE Select); coding-DNA position 3870, C replaced by A.
Protein change: p.Asn1290Lys; replaces asparagine 1290 with lysine.
Molecular consequence: missense variant.
Genome position (GRCh38, 1-based): chr2:21,013,506, G>T on the plus strand (C>A on the coding strand, the complement: APOB is on the minus strand). VCF-style: chr2-21013506-G-T. GRCh37 (hg19) VCF-style: chr2-21236378-G-T.
Other names: short protein forms N1290K.
Identifiers: ClinVar variation 5010005 (VCV005010005.1).